The following is an entry in ClinVar:

NM_001018115.3(FANCD2):c.962T>G (p.Val321Gly)

Genes: FANCD2 (FA complementation group D2; plus strand), LOC107303338 (3p25 FANCD2 Alu-mediated recombination region; plus strand). Cytogenetic location: 3p25.3.
Variant type: single nucleotide variant.
Coding change: c.962T>G on transcript NM_001018115.3 (MANE Select); coding-DNA position 962, T replaced by G.
Protein change: p.Val321Gly; replaces valine 321 with glycine.
Molecular consequence: missense variant.
Genome position (GRCh38, 1-based): chr3:10,043,123, T>G. VCF-style: chr3-10043123-T-G. GRCh37 (hg19) VCF-style: chr3-10084807-T-G.
Other names: c.962T>G, p.Val321Gly (NM_001319984.2, NM_001374253.1, NM_001374254.1 and 1 more transcripts); short protein forms V321G.
Identifiers: ClinVar variation 2047432 (VCV002047432.4), dbSNP rs2124992361, ClinGen allele CA351730038.

ClinVar aggregate classification (germline): Uncertain significance (1 of 4 stars; one submission).

Conditions:
Fanconi anemia (FA). Also called: Fanconi's anemia. Identifiers: Orphanet 84, MedGen C0015625, MeSH D005199, MONDO:0019391.

Submission:

Labcorp Genetics (formerly Invitae), Labcorp
Classification: Uncertain significance for Fanconi anemia. Last evaluated: 2023-12-11. Review status: criteria provided, single submitter. Criteria: Invitae Variant Classification Sherloc (09022015). Collection method: clinical testing. Allele origin: germline.
Comment: This sequence change replaces valine, which is neutral and non-polar, with glycine, which is neutral and non-polar, at codon 321 of the FANCD2 protein (p.Val321Gly). This variant is not present in population databases (gnomAD no frequency). This variant has not been reported in the literature in individuals affected with FANCD2-related conditions. ClinVar contains an entry for this variant (Variation ID: 2047432). Advanced modeling of protein sequence and biophysical properties (such as structural, functional, and spatial information, amino acid conservation, physicochemical variation, residue mobility, and thermodynamic stability) performed at Invitae indicates that this missense variant is not expected to disrupt FANCD2 protein function with a negative predictive value of 80%. In summary, the available evidence is currently insufficient to determine the role of this variant in disease. Therefore, it has been classified as a Variant of Uncertain Significance.